The following is an entry in ClinVar:

ClinVar aggregate classification (germline): Uncertain significance (1 of 4 stars; one submission).

Conditions:
Cystinuria (CSNU). Also called: CYSTINURIA, TYPE I; CYSTINURIA, TYPE II; CYSTINURIA, TYPE III; Cystinuria, non-type I. Identifiers: Orphanet 214, MedGen C0010691, MONDO:0009067, OMIM 220100, HP:0003131.

Submission:

Labcorp Genetics (formerly Invitae), Labcorp
Classification: Uncertain significance for Cystinuria. Last evaluated: 2022-07-23. Review status: criteria provided, single submitter. Criteria: Invitae Variant Classification Sherloc (09022015). Collection method: clinical testing. Allele origin: germline.
Comment: This variant has not been reported in the literature in individuals affected with SLC3A1-related conditions. Algorithms developed to predict the effect of missense changes on protein structure and function are either unavailable or do not agree on the potential impact of this missense change (SIFT: "Deleterious"; PolyPhen-2: "Probably Damaging"; Align-GVGD: "Class C0"). In summary, the available evidence is currently insufficient to determine the role of this variant in disease. Therefore, it has been classified as a Variant of Uncertain Significance. This variant is not present in population databases (gnomAD no frequency). This sequence change replaces isoleucine, which is neutral and non-polar, with phenylalanine, which is neutral and non-polar, at codon 108 of the SLC3A1 protein (p.Ile108Phe).

NM_000341.4(SLC3A1):c.322A>T (p.Ile108Phe)

Gene: SLC3A1 (solute carrier family 3 member 1; plus strand). Cytogenetic location: 2p21.
Variant type: single nucleotide variant.
Coding change: c.322A>T on transcript NM_000341.4 (MANE Select); coding-DNA position 322, A replaced by T.
Protein change: p.Ile108Phe; replaces isoleucine 108 with phenylalanine.
Molecular consequence: missense variant.
Genome position (GRCh38, 1-based): chr2:44,275,857, A>T. VCF-style: chr2-44275857-A-T. GRCh37 (hg19) VCF-style: chr2-44502996-A-T.
Other names: short protein forms I108F.
Identifiers: ClinVar variation 1713456 (VCV001713456.5), dbSNP rs138597262, ClinGen allele CA346686432.